The following is an entry in ClinVar:

NM_004415.4(DSP):c.1112A>T (p.His371Leu)

Gene: DSP (desmoplakin; plus strand). Cytogenetic location: 6p24.3.
Variant type: single nucleotide variant.
Coding change: c.1112A>T on transcript NM_004415.4 (MANE Select); coding-DNA position 1112, A replaced by T.
Protein change: p.His371Leu; replaces histidine 371 with leucine.
Molecular consequence: missense variant.
Genome position (GRCh38, 1-based): chr6:7,567,421, A>T. VCF-style: chr6-7567421-A-T. GRCh37 (hg19) VCF-style: chr6-7567654-A-T.
Other names: c.1112A>T, p.His371Leu (NM_001008844.3, NM_001319034.2, NM_001406591.1); short protein forms H371L.
Identifiers: ClinVar variation 2930523 (VCV002930523.4), dbSNP rs397516912, ClinGen allele CA362675719.
Genomic context (GRCh38, chr6:7,567,421, plus strand): 5'-TGGACACTCTGCAGACGCAGTGGAGTTGGATTCTTCAGATCACCAAGTGCATTGATGTTC[A>T]TCTGAAAGAAAATGCTGCCTACTTTCAGGTTTTTATATTTAGTGATAATTTTGTTGTTAT-3'
Protein context (NP_004406.2, residues 361-381): ILQITKCIDV[His371Leu]LKENAAYFQF

ClinVar aggregate classification (germline): Uncertain significance. Review status: criteria provided, multiple submitters, no conflicts (2 of 4 stars). 2 submissions from 2 submitters: Uncertain significance (2). Last evaluated 2023-12-13.

Conditions:
Arrhythmogenic cardiomyopathy with wooly hair and keratoderma. Also called: Arrhythmogenic cardiomyopathy with woolly hair and keratoderma; Dilated cardiomyopathy with woolly hair and keratoderma; PALMOPLANTAR KERATODERMA WITH LEFT VENTRICULAR CARDIOMYOPATHY AND WOOLLY HAIR; Carvajal syndrome. Identifiers: Orphanet 65282, MedGen C1854063, MONDO:0011581, OMIM 605676.
Arrhythmogenic right ventricular dysplasia 8 (ARVD8). Also called: Arrhythmogenic Right Ventricular Dysplasia/Cardiomyopathy 8; ARRHYTHMOGENIC RIGHT VENTRICULAR DYSPLASIA, FAMILIAL, 8; ARRHYTHMOGENIC RIGHT VENTRICULAR CARDIOMYOPATHY 8. Identifiers: MedGen C1843896, MONDO:0011831, OMIM 607450.

Allele frequency attached by ClinVar (database versions not stated): TOPMed below 0.00001.
gnomAD v4.1: 2 of 1,614,022 alleles (0.00012%); highest among the groups gnomAD compares: Non-Finnish European, 0.000085%; no homozygotes.

Submissions (2):

All of Us Research Program, National Institutes of Health
Classification: Uncertain significance for Arrhythmogenic cardiomyopathy with wooly hair and keratoderma. Last evaluated: 2023-12-13. Review status: criteria provided, single submitter. Criteria: ACMG Guidelines, 2015. Collection method: clinical testing. Allele origin: germline. Inheritance: Autosomal dominant inheritance. Observed: 1 variant allele, 1 heterozygote.
Comment: This missense variant replaces histidine with leucine at codon 371 of the DSP protein. Computational prediction suggests that this variant may have deleterious impact on protein structure and function (internally defined REVEL score threshold >= 0.7, PMID: 27666373). To our knowledge, functional studies have not been reported for this variant. This variant has not been reported in individuals affected with DSP-related disorders in the literature. This variant has not been identified in the general population by the Genome Aggregation Database (gnomAD). The available evidence is insufficient to determine the role of this variant in disease conclusively. Therefore, this variant is classified as a Variant of Uncertain Significance.

This study involves interpretation of variants in research participants for the purpose of population health screening. Participant phenotype was not available at the time of variant classification. Additional details can be found in publication PMID: 35346344, PMCID: PMC8962531

Labcorp Genetics (formerly Invitae), Labcorp
Classification: Uncertain significance for Arrhythmogenic cardiomyopathy with wooly hair and keratoderma; Arrhythmogenic right ventricular dysplasia 8. Last evaluated: 2023-05-05. Review status: criteria provided, single submitter. Criteria: Invitae Variant Classification Sherloc (09022015). Collection method: clinical testing. Allele origin: germline.
Comment: This variant is not present in population databases (gnomAD no frequency). This sequence change replaces histidine, which is basic and polar, with leucine, which is neutral and non-polar, at codon 371 of the DSP protein (p.His371Leu). This variant has not been reported in the literature in individuals affected with DSP-related conditions. An algorithm developed to predict the effect of missense changes on protein structure and function (PolyPhen-2) suggests that this variant is likely to be disruptive. In summary, the available evidence is currently insufficient to determine the role of this variant in disease. Therefore, it has been classified as a Variant of Uncertain Significance.